The following continues an entry in ClinVar:

NM_000051.4(ATM):c.7592T>C (p.Met2531Thr)

ClinVar aggregate classification (germline): Conflicting classifications of pathogenicity. Uncertain significance (11); Likely benign (2).

Submissions 11 to 14 of 14:

Women's Health and Genetics/Laboratory Corporation of America, LabCorp
Classification: Likely benign. Last evaluated: 2021-01-09. Review status: criteria provided, single submitter. Criteria: LabCorp Variant Classification Summary - May 2015. Collection method: clinical testing. Allele origin: germline.
Comment: Variant summary: ATM c.7592T>C (p.Met2531Thr) results in a non-conservative amino acid change located in the PIK-related kinase domain (IPR014009) of the encoded protein sequence. Three of five in-silico tools predict a benign effect of the variant on protein function. The variant allele was found at a frequency of 4.4e-05 in 251246 control chromosomes, predominantly at a frequency of 9.7e-05 within the Non-Finnish European subpopulation in the gnomAD database. This frequency is close to that expected for a pathogenic variant in ATM causing Breast Cancer (9.7e-05 vs 0.001), supporting a neutral impact. c.7592T>C has been reported in the literature in individuals affected with a variety of cancers (example, Tavtigian_2009, Yurgelun_2015, Chaffee_2018, Gervas_2019, Pearlman_2017, Ackay_2021). These report(s) do not provide unequivocal conclusions about association of the variant with Ataxia Telangiectasia or Breast Cancer. At-least two reports of a co-occurrence with another pathogenic variant have been reported (MLH1 c.1279C>T, p.Gln427*, Pearlman_2017 and Yurgelun_2015). One of these individuals with a co-occurring MLH1 pathogenic variant was reported to have colon cancer at rectosigmoid junction, MMR deficient tumor status, a strong family history of cancer, and met the NCCN criteria for a hereditary cancer syndrome consistent with the MLH1 gene (Pearlman_2017). These observations provide additional supporting evidence for a benign role. To our knowledge, no experimental evidence demonstrating an impact on protein function has been reported. Six clinical diagnostic laboratories have submitted clinical-significance assessments for this variant to ClinVar after 2014 without evidence for independent evaluation (likely benign, n=1, VUS, n=5). Some submitters cite overlapping evidence utilized in the context of this evaluation. Based on the absence of concrete evidence supporting an actionable outcome spanning over a decade of literature evidence as outlined above, the variant was re-classified as likely benign.

ARUP Laboratories, Molecular Genetics and Genomics, ARUP Laboratories
Classification: Uncertain significance. Last evaluated: 2019-11-11. Review status: criteria provided, single submitter. Criteria: ARUP Molecular Germline Variant Investigation Process. Collection method: clinical testing. Allele origin: germline.
Comment: The ATM c.7592T>C; p.Met2531Thr variant (rs587781365) is reported in the literature in individuals affected with breast, pancreatic, colorectal cancer, or suspected Lynch syndrome (Chaffee 2018, Goldgar 2011, Hauke 2018, Tavtigian 2009, Yurgelun 2015), including one individual with colorectal cancer who also carries a pathogenic MLH1 variant (Pearlman 2017). This variant is reported in ClinVar (Variation ID: 140910), and is found in the non-Finnish European population with an allele frequency of 0.0093% (12/129062 alleles) in the Genome Aggregation Database. The methionine at codon 2531 is moderately conserved, and computational analyses (SIFT, PolyPhen-2) predict that this variant is tolerated. However, given the limited clinical information and lack of functional data, the significance of the p.Met2531Thr variant is uncertain at this time. References: Chaffee KG et al. Prevalence of germ-line mutations in cancer genes among pancreatic cancer patients with a positive family history. Genet Med. 2018 Jan;20(1):119-127. Goldgar DE et al. Rare variants in the ATM gene and risk of breast cancer. Breast Cancer Res. 2011 Jul 25;13(4):R73. Hauke J et al. Gene panel testing of 5589 BRCA1/2-negative index patients with breast cancer in a routine diagnostic setting: results of the German Consortium for Hereditary Breast and Ovarian Cancer. Cancer Med. 2018 Apr;7(4):1349-1358. Pearlman et al. Prevalence and Spectrum of Germline Cancer Susceptibility Gene Mutations Among Patients With Early-Onset Colorectal Cancer. JAMA Oncol. 2017 Apr 1;3(4):464-471. Tavtigian et al. Rare, evolutionarily unlikely missense substitutions in ATM confer increased risk of breast cancer. Am J Hum Genet. 2009 Oct;85(4):427-46. Yurgelun MB et al. Identification of a Variety of Mutations in Cancer Predisposition Genes in Patients With Suspected Lynch Syndrome. Gastroenterology. 2015 Sep;149(3):604-13.e20.

Eurofins Ntd Llc (ga)
Classification: Uncertain significance. Last evaluated: 2016-08-05. Review status: criteria provided, single submitter. Criteria: EGL Classification Definitions 2015. Collection method: clinical testing. Allele origin: germline. Observed: 1 variant allele, 1 heterozygote.

Department of Pathology and Laboratory Medicine, Sinai Health System
Classification: Uncertain significance. Review status: no assertion criteria provided. Collection method: clinical testing. Allele origin: unknown. Affected: yes. Study: The Canadian Open Genetics Repository (COGR). Not counted in ClinVar's aggregate classification.
Comment: The ATM p.Met2531Thr variant was identified in 5 of 9122 proband chromosomes (frequency: 0.0005) from individuals or families with Lynch syndrome, breast, pancreatic or early onset CRC and was not identified in 4490 control chromosomes from healthy individuals (Yurgelun 2015, Tavtigian 2009, Pearlman 2017, Chaffee 2018). In these studies, the variant co-occurred with a pathogenic MLH1 variant (c.1279C>T/p.Gln427*) in two of the probands with Lynch/early onset CRC. The variant was also identified in dbSNP (ID: rs587781365) as â€šÃ„ÃºWith Uncertain significance alleleâ€šÃ„Ã¹, and ClinVar (classified uncertain significance; submitters: Invitae, Ambry Genetics, GeneDx and 3 other laboratories). The variant was not identified in LOVD 3.0. The variant was identified in control databases in 10 of 276888 chromosomes at a frequency of 0.00004 (Genome Aggregation Database Feb 27, 2017), observed in the following population: European Non-Finnish in 10 of 126660 chromosomes (freq: 0.00008) while not observed in the African, Other, Latino, Ashkenazi Jewish, East Asian, European Finnish, and South Asian populations. The p.Met2531 residue is conserved in mammals and computational analyses (PolyPhen-2, SIFT, AlignGVGD, BLOSUM, MutationTaster) provide inconsistent predictions regarding the impact of the variant to the protein; this information is not very predictive of pathogenicity. The variant occurs outside of the splicing consensus sequence and in silico or computational prediction software programs (SpliceSiteFinder, MaxEntScan, NNSPLICE, GeneSplicer) do not predict a difference in splicing. In summary, based on the above information the clinical significance of this variant cannot be determined with certainty at this time. This variant is classified as a variant of uncertain significance.

Literature cited by the submitters: PubMed 19781682 (cited by 5 submitters); PubMed 27978560 (cited by 5 submitters); PubMed 29522266 (cited by 3 submitters); PubMed 31273614 (cited by 5 submitters); PubMed 33471991 (cited by Ambry Genetics and Sema4); PubMed 34326862 (cited by Ambry Genetics); PubMed 36577833 (cited by Ambry Genetics); PubMed 20305132 (cited by Color Diagnostics, LLC DBA Color Health); PubMed 25980754 (cited by 4 submitters); PubMed 28726808 (cited by 4 submitters); PubMed 32658311 (cited by 3 submitters); PubMed 33750258 (cited by Sema4 and Athena Diagnostics).